The following is an entry in ClinVar:

NM_000176.3(NR3C1):c.66_68delinsAAA (p.Arg23Lys)

Gene: NR3C1 (nuclear receptor subfamily 3 group C member 1; minus strand). Cytogenetic location: 5q31.3.
Variant type: Indel.
Coding change: c.66_68delinsAAA on transcript NM_000176.3 (MANE Select); coding-DNA positions 66 to 68, GAG replaced by AAA.
Protein change: p.Arg23Lys; replaces arginine 23 with lysine.
Molecular consequence: missense variant. On other transcripts: 5 prime UTR variant (7).
Genome position (GRCh38, 1-based): chr5:143,400,772-143,400,774, CTC replaced by TTT on the plus strand (GAG replaced by AAA on the coding strand, the reverse complement: NR3C1 is on the minus strand). VCF-style: chr5-143400772-CTC-TTT. GRCh37 (hg19) VCF-style: chr5-142780337-CTC-TTT.
Other names: c.66_68delinsAAA, p.Arg23Lys (NM_001018074.1, NM_001018075.1, NM_001018076.2 and 10 more transcripts); c.-13_-11delinsAAA (NM_001204258.2); c.-190_-188delinsAAA (NM_001204259.2); c.-202_-200delinsAAA (NM_001204260.2); c.-226_-224delinsAAA (NM_001204261.2); c.-880_-878delinsAAA (NM_001204262.2); c.-925_-923delinsAAA (NM_001204263.2); c.-940_-938delinsAAA (NM_001204264.2); short protein forms R23K.
Identifiers: ClinVar variation 1333751 (VCV001333751.2), dbSNP rs2151942107, ClinGen allele CA2573052441.

ClinVar aggregate classification (germline): Uncertain significance. Review status: criteria provided, single submitter (1 of 4 stars). 2 submissions from 2 submitters: Uncertain significance (1). 1 of the submissions does not count toward it. Last evaluated 2020-03-05.

Conditions:
Glucocorticoid resistance. Also called: Glucocorticoid resistance, generalized; Gccr deficiency; Glucocorticoid receptor deficiency; Cortisol resistance from glucocorticoid receptor defect; Gcr deficiency. Identifiers: Orphanet 786, MedGen C1841972, MONDO:0014421, OMIM 615962.
GLUCOCORTICOID RESISTANCE, MILD. Identifiers: MedGen C4016115.

Submissions (2):

CENTOGENE GmbH and LLC - Guiding Precision Medicine
Classification: Uncertain significance for Glucocorticoid resistance. Last evaluated: 2020-03-05. Review status: criteria provided, single submitter. Criteria: ACMG Guidelines, 2015. Collection method: clinical testing. Allele origin: germline. Affected: yes.

OMIM
Classification: Pathogenic for GLUCOCORTICOID RESISTANCE, MILD. Last evaluated: 2007-12-01. Review status: no assertion criteria provided. Collection method: literature only. Allele origin: germline. Not counted in ClinVar's aggregate classification.

Literature cited by the submitters: PubMed 9150737 (cited by OMIM); PubMed 12351458 (cited by OMIM); PubMed 15276593 (cited by OMIM); PubMed 15292341 (cited by OMIM); PubMed 16030164 (cited by OMIM); PubMed 17848410 (cited by OMIM).